The following is an entry in ClinVar:

NM_004797.4(ADIPOQ):c.194A>G (p.Lys65Arg)

Genes: ADIPOQ (adiponectin, C1Q and collagen domain containing; plus strand), ADIPOQ-AS1 (ADIPOQ antisense RNA 1; minus strand). Cytogenetic location: 3q27.3.
Variant type: single nucleotide variant.
Coding change: c.194A>G on transcript NM_004797.4 (MANE Select); coding-DNA position 194, A replaced by G.
Protein change: p.Lys65Arg; replaces lysine 65 with arginine.
Molecular consequence: missense variant.
Genome position (GRCh38, 1-based): chr3:186,853,252, A>G. VCF-style: chr3-186853252-A-G. GRCh37 (hg19) VCF-style: chr3-186571041-A-G.
Other names: c.194A>G, p.Lys65Arg (NM_001177800.2); short protein forms K65R.
Identifiers: ClinVar variation 4689878 (VCV004689878.1).

ClinVar aggregate classification (germline): Uncertain significance (1 of 4 stars; one submission).

gnomAD v4.1: 2 of 1,606,796 alleles (0.00012%); highest among the groups gnomAD compares: Admixed American, 0.0034%; no homozygotes.

Submission:

GeneDx
Classification: Uncertain significance. Last evaluated: 2025-07-28. Review status: criteria provided, single submitter. Criteria: GeneDx Variant Classification Process June 2021. Collection method: clinical testing. Allele origin: germline. Affected: yes.
Comment: In silico analysis suggests that this missense variant does not alter protein structure/function; Has not been previously published as pathogenic or benign to our knowledge